The following is an entry in ClinVar:

ClinVar aggregate classification (germline): Conflicting classifications of pathogenicity. Review status: criteria provided, conflicting classifications (1 of 4 stars). 6 submissions from 6 submitters: Uncertain significance (5); Likely benign (1). Last evaluated 2025-09-15.

Conditions:
POMGNT2-related disorder. Also called: POMGNT2-related condition.
Inborn genetic diseases. Identifiers: MedGen C0950123, MeSH D030342.
Muscular dystrophy-dystroglycanopathy (congenital with brain and eye anomalies), type a, 8 (MDDGA8). Also called: WALKER-WARBURG SYNDROME OR MUSCLE-EYE-BRAIN DISEASE, GTDC2-RELATED. Identifiers: Orphanet 899, MedGen C3553813, MONDO:0013904, OMIM 614830.

Allele frequency attached by ClinVar (database versions not stated): gnomAD 0.00011 and 0.00015; gnomAD exomes 0.00012 and 0.00015; ExAC 0.00013; TOPMed 0.00016; ESP Exome Variant Server 0.00023.
gnomAD v4.1: 211 of 1,614,148 alleles (0.013%); highest among the groups gnomAD compares: Middle Eastern, 0.73%; 1 homozygote.

Submissions (6):

PreventionGenetics, part of Exact Sciences
Classification: Uncertain significance for POMGNT2-related condition. Last evaluated: 2025-09-15. Review status: criteria provided, single submitter. Criteria: ACMG Guidelines, 2015. Collection method: clinical testing. Allele origin: germline.
Comment: The POMGNT2 c.1010A>G variant is predicted to result in the amino acid substitution p.Asn337Ser. To our knowledge, this variant has not been reported in the literature. This variant is reported in 0.029% of alleles in individuals of Ashkenazi Jewish descent in gnomAD. At this time, the clinical significance of this variant is uncertain due to the absence of conclusive functional and genetic evidence.

Ambry Genetics
Classification: Uncertain significance for Inborn genetic diseases. Last evaluated: 2025-02-12. Review status: criteria provided, single submitter. Criteria: Ambry Variant Classification Scheme 2023. Collection method: clinical testing. Allele origin: germline.

Revvity Omics, Revvity
Classification: Uncertain significance. Last evaluated: 2024-07-23. Review status: criteria provided, single submitter. Criteria: ACMG Guidelines, 2015. Collection method: clinical testing. Allele origin: germline.

Labcorp Genetics (formerly Invitae), Labcorp
Classification: Uncertain significance for Muscular dystrophy-dystroglycanopathy (congenital with brain and eye anomalies), type a, 8. Last evaluated: 2022-08-31. Review status: criteria provided, single submitter. Criteria: Invitae Variant Classification Sherloc (09022015). Collection method: clinical testing. Allele origin: germline.
Comment: This sequence change replaces asparagine, which is neutral and polar, with serine, which is neutral and polar, at codon 337 of the POMGNT2 protein (p.Asn337Ser). This variant is present in population databases (rs200535361, gnomAD 0.03%). This variant has not been reported in the literature in individuals affected with POMGNT2-related conditions. ClinVar contains an entry for this variant (Variation ID: 436367). Algorithms developed to predict the effect of missense changes on protein structure and function output the following: SIFT: "Tolerated"; PolyPhen-2: "Benign"; Align-GVGD: "Class C0". The serine amino acid residue is found in multiple mammalian species, which suggests that this missense change does not adversely affect protein function. In summary, the available evidence is currently insufficient to determine the role of this variant in disease. Therefore, it has been classified as a Variant of Uncertain Significance.

GeneDx
Classification: Likely benign. Last evaluated: 2019-05-17. Review status: criteria provided, single submitter. Criteria: GeneDx Variant Classification Process June 2021. Collection method: clinical testing. Allele origin: germline. Affected: yes.

Genetic Services Laboratory, University of Chicago
Classification: Uncertain significance. Last evaluated: 2016-11-18. Review status: criteria provided, single submitter. Criteria: ACMG Guidelines, 2015. Collection method: clinical testing. Allele origin: germline. Affected: no.

NM_032806.6(POMGNT2):c.1010A>G (p.Asn337Ser)

Gene: POMGNT2 (protein O-linked mannose N-acetylglucosaminyltransferase 2 (beta 1,4-); minus strand). Cytogenetic location: 3p22.1.
Variant type: single nucleotide variant.
Coding change: c.1010A>G on transcript NM_032806.6 (MANE Select); coding-DNA position 1010, A replaced by G.
Protein change: p.Asn337Ser; replaces asparagine 337 with serine.
Molecular consequence: missense variant.
Genome position (GRCh38, 1-based): chr3:43,080,422, T>C on the plus strand (A>G on the coding strand, the complement: POMGNT2 is on the minus strand). VCF-style: chr3-43080422-T-C. GRCh37 (hg19) VCF-style: chr3-43121914-T-C.
Other names: c.1010A>G (NM_032806.4); short protein forms N337S.
Identifiers: ClinVar variation 436367 (VCV000436367.16), dbSNP rs200535361, ClinGen allele CA2339950.